The following is an entry in ClinVar:

ClinVar aggregate classification (germline): Uncertain significance (1 of 4 stars; one submission).

Submission:

Labcorp Genetics (formerly Invitae), Labcorp
Classification: Uncertain significance. Last evaluated: 2022-11-22. Review status: criteria provided, single submitter. Criteria: Invitae Variant Classification Sherloc (09022015). Collection method: clinical testing. Allele origin: germline.
Comment: Information on the frequency of this variant in the gnomAD database is not available, as this variant may be reported differently in the database. This sequence change falls in intron 8 of the MAP3K20 gene. It does not directly change the encoded amino acid sequence of the MAP3K20 protein. In summary, the available evidence is currently insufficient to determine the role of this variant in disease. Therefore, it has been classified as a Variant of Uncertain Significance. Experimental studies and prediction algorithms are not available or were not evaluated, and the effect of this variant on mRNA splicing is currently unknown. This variant has not been reported in the literature in individuals affected with MAP3K20-related conditions.

NM_016653.3(MAP3K20):c.670-12_670-11delinsGC

Genes: MAP3K20 (mitogen-activated protein kinase kinase kinase 20; plus strand), MAP3K20-AS1 (MAP3K20 antisense RNA 1; minus strand). Cytogenetic location: 2q31.1.
Variant type: Indel.
Coding change: c.670-12_670-11delinsGC on transcript NM_016653.3 (MANE Select); 12 bases into the intron before coding-DNA position 670 through 11 bases into the intron before coding-DNA position 670, TG replaced by GC.
Molecular consequence: intron variant.
Genome position (GRCh38, 1-based): chr2:173,203,784-173,203,785, TG replaced by GC. VCF-style: chr2-173203784-TG-GC. GRCh37 (hg19) VCF-style: chr2-174068512-TG-GC.
Other names: c.670-12_670-11delinsGC (NM_133646.3).
Identifiers: ClinVar variation 1958845 (VCV001958845.5), dbSNP rs2468183218, ClinGen allele CA2580064522.